The following is an entry in ClinVar:

NM_001844.5(COL2A1):c.4317_4317+3dup

Gene: COL2A1 (collagen type II alpha 1 chain; minus strand). Cytogenetic location: 12q13.11.
Variant type: Duplication.
Coding change: c.4317_4317+3dup on transcript NM_001844.5 (MANE Select); coding-DNA position 4317 through 3 bases into the intron after coding-DNA position 4317, 4 bases duplicated (GGTG; older notation c.4317_4317+3dupGGTG).
Molecular consequence: splice donor variant.
Genome position (GRCh38, 1-based): chr12:47,974,086-47,974,089, CACC duplicated on the plus strand (GGTG on the coding strand, the reverse complement: COL2A1 is on the minus strand). VCF-style (leftmost placement, unchanged base first): chr12-47974085-T-TCACC. GRCh37 (hg19) VCF-style: chr12-48367868-T-TCACC.
Other names: c.4110_4110+3dup (NM_033150.3).
Identifiers: ClinVar variation 2707993 (VCV002707993.3), dbSNP rs2540094178, ClinGen allele CA2697559208.

ClinVar aggregate classification (germline): Pathogenic (1 of 4 stars; one submission).

Submission:

Labcorp Genetics (formerly Invitae), Labcorp
Classification: Pathogenic. Last evaluated: 2025-03-17. Review status: criteria provided, single submitter. Criteria: Invitae Variant Classification Sherloc (09022015). Collection method: clinical testing. Allele origin: germline.
Comment: This sequence change falls in intron 53 of the COL2A1 gene. It does not directly change the encoded amino acid sequence of the COL2A1 protein. It affects a nucleotide within the consensus splice site. This variant is not present in population databases (gnomAD no frequency). This variant has been observed in individual(s) with clinical features of autosomal dominant COL2A1-related conditions (internal data). In at least one individual the variant was observed to be de novo. ClinVar contains an entry for this variant (Variation ID: 2707993). Variants that disrupt the consensus splice site are a relatively common cause of aberrant splicing (PMID: 17576681, 9536098). Algorithms developed to predict the effect of sequence changes on RNA splicing suggest that this variant may disrupt the consensus splice site. For these reasons, this variant has been classified as Pathogenic.

Literature cited by the submitters: PubMed 17576681; PubMed 9536098.